The following is an entry in ClinVar:

Conditions:
Long QT syndrome 5 (LQT5). Identifiers: Orphanet 101016, Orphanet 768, MedGen C1867904, MONDO:0013372, OMIM 613695.

Submission:

Roden Lab, Vanderbilt University Medical Center
No classification provided (evidence only). Condition: Long QT syndrome 5. Review status: no classification provided. Collection method: in vitro. Allele origin: not applicable. Functional consequence: Effect on ion channel function.
ClinVar note: "not provided" was previously submitted as the classification for the variant. However, the classification appeared to be based only on an observation of functional data so it was converted to no classification on 2025-07-30.

NM_000219.6(KCNE1):c.299T>C (p.Leu100Pro)

Gene: KCNE1 (potassium voltage-gated channel subfamily E regulatory subunit 1; minus strand). Cytogenetic location: 21q22.12.
Variant type: single nucleotide variant.
Coding change: c.299T>C on transcript NM_000219.6 (MANE Select); coding-DNA position 299, T replaced by C.
Protein change: p.Leu100Pro; replaces leucine 100 with proline.
Molecular consequence: missense variant.
Genome position (GRCh38, 1-based): chr21:34,449,336, A>G on the plus strand (T>C on the coding strand, the complement: KCNE1 is on the minus strand). VCF-style: chr21-34449336-A-G. GRCh37 (hg19) VCF-style: chr21-35821634-A-G.
Other names: c.299T>C, p.Leu100Pro (NM_001127668.4, NM_001127669.4, NM_001127670.4 and 4 more transcripts); short protein forms L100P.
Identifiers: ClinVar variation 3374569 (VCV003374569.2).